The following is an entry in ClinVar:

ClinVar aggregate classification (germline): Conflicting classifications of pathogenicity. Review status: criteria provided, conflicting classifications (1 of 4 stars). 4 submissions from 4 submitters: Pathogenic (1); Likely pathogenic (2); Uncertain significance (1). Last evaluated 2026-08-13.

Conditions:
Primary hyperoxaluria. Identifiers: Orphanet 416, MedGen C0020501, MONDO:0002474.
Primary hyperoxaluria, type I (HP1). Also called: GLYCOLIC ACIDURIA; HEPATIC AGT DEFICIENCY; OXALOSIS I; Primary hyperoxaluria type 1. Identifiers: Orphanet 416, Orphanet 93598, MedGen C0268164, MONDO:0009823, OMIM 259900. Disease mechanism: loss of function.

Submissions (4):

Myriad Genetics, Inc.
Classification: Uncertain significance for Primary hyperoxaluria, type I. Last evaluated: 2026-08-13. Review status: criteria provided, single submitter. Criteria: Myriad Autosomal Dominant, Autosomal Recessive and X-Linked Classification Criteria (2023). Collection method: clinical testing. Allele origin: unknown.
Comment: NM_000030.2(AGXT):c.806T>C(L269P) is a missense variant classified as a variant of uncertain significance in the context of primary hyperoxaluria type 1. L269P has not been observed in cases with relevant disease. Relevant functional assessments of this variant are not available in the literature. L269P has not been observed in referenced population frequency databases. In summary, there is insufficient evidence to classify NM_000030.2(AGXT):c.806T>C(L269P) as pathogenic or benign. Please note: this variant was assessed in the context of healthy population screening.

Women's Health and Genetics/Laboratory Corporation of America, LabCorp
Classification: Likely pathogenic for Primary hyperoxaluria. Last evaluated: 2025-07-16. Review status: criteria provided, single submitter. Criteria: LabCorp Variant Classification Summary - May 2015. Collection method: clinical testing. Allele origin: germline.
Comment: Variant summary: AGXT c.806T>C (p.Leu269Pro) results in a non-conservative amino acid change in the encoded protein sequence. Algorithms developed to predict the effect of missense changes on protein structure and function are either unavailable or do not agree on the potential impact of this missense change. The variant was absent in 251372 control chromosomes. c.806T>C has been observed in the compound heterozygous state in multiple related individual(s) affected with Primary Hyperoxaluria Type 1 (Labcorp Genetics (formerly Invitae)). These data indicate that the variant may be associated with disease. At least one publication reports experimental evidence evaluating an impact on protein function. The most pronounced variant effect results in <10% of normal activity in a yeast based assay (Lage_2014). The following publications have been ascertained in the context of this evaluation (PMID: 24718375, 19479957, 29071511, 25620715). ClinVar contains an entry for this variant (Variation ID: 204128). Based on the evidence outlined above, the variant was classified as likely pathogenic.

Clinical Biochemistry Laboratory, Health Services Laboratory
Classification: Pathogenic for Primary hyperoxaluria, type I. Last evaluated: 2023-10-27. Review status: criteria provided, single submitter. Criteria: ACMG Guidelines, 2015. Collection method: clinical testing. Allele origin: germline. Affected: yes.
Comment: Reduced AGT activity in vitro (PMID:24718375). ACMG: PS3 PM2 PM3 PP4

Labcorp Genetics (formerly Invitae), Labcorp
Classification: Likely pathogenic. Last evaluated: 2023-04-25. Review status: criteria provided, single submitter. Criteria: Invitae Variant Classification Sherloc (09022015). Collection method: clinical testing. Allele origin: germline.
Comment: In summary, the currently available evidence indicates that the variant is pathogenic, but additional data are needed to prove that conclusively. Therefore, this variant has been classified as Likely Pathogenic. Experimental studies have shown that this missense change affects AGXT function (PMID: 24718375). Advanced modeling of protein sequence and biophysical properties (such as structural, functional, and spatial information, amino acid conservation, physicochemical variation, residue mobility, and thermodynamic stability) performed at Invitae indicates that this missense variant is expected to disrupt AGXT protein function. ClinVar contains an entry for this variant (Variation ID: 204128). This missense change has been observed in individual(s) with clinical features of primary hyperoxaluria (PMID: 19479957; Invitae). In at least one individual the data is consistent with being in trans (on the opposite chromosome) from a pathogenic variant. It has also been observed to segregate with disease in related individuals. This variant is not present in population databases (gnomAD no frequency). This sequence change replaces leucine, which is neutral and non-polar, with proline, which is neutral and non-polar, at codon 269 of the AGXT protein (p.Leu269Pro).

Literature cited by the submitters: PubMed 19479957 (cited by 3 submitters); PubMed 24718375 (cited by 3 submitters); PubMed 25620715 (cited by Women's Health and Genetics/Laboratory Corporation of America, LabCorp); PubMed 29071511 (cited by Women's Health and Genetics/Laboratory Corporation of America, LabCorp).

NM_000030.3(AGXT):c.806T>C (p.Leu269Pro)

Gene: AGXT (alanine--glyoxylate aminotransferase; plus strand). Cytogenetic location: 2q37.3.
Variant type: single nucleotide variant.
Coding change: c.806T>C on transcript NM_000030.3 (MANE Select); coding-DNA position 806, T replaced by C.
Protein change: p.Leu269Pro; replaces leucine 269 with proline.
Molecular consequence: missense variant.
Genome position (GRCh38, 1-based): chr2:240,875,964, T>C. VCF-style: chr2-240875964-T-C. GRCh37 (hg19) VCF-style: chr2-241815381-T-C.
Other names: short protein forms L269P.
Identifiers: ClinVar variation 204128 (VCV000204128.13), dbSNP rs180177271, ClinGen allele CA275739.